The following is an entry in ClinVar:

ClinVar aggregate classification (germline): Uncertain significance (1 of 4 stars; one submission).

Conditions:
BBS10-related disorder. Also called: BBS10-related condition.

gnomAD v4.1: 30 of 1,613,084 alleles (0.0019%); highest among the groups gnomAD compares: Non-Finnish European, 0.0025%; no homozygotes.

Submission:

PreventionGenetics, part of Exact Sciences
Classification: Uncertain significance for BBS10-related condition. Last evaluated: 2026-03-03. Review status: criteria provided, single submitter. Criteria: ACMG Guidelines, 2015. Collection method: clinical testing. Allele origin: germline.
Comment: The BBS10 c.85G>A variant is predicted to result in the amino acid substitution p.Val29Met. To our knowledge, this variant has not been reported in the literature or in a large population database (gnomAD), indicating this variant is rare. At this time, the clinical significance of this variant is uncertain due to the absence of conclusive functional and genetic evidence.

NM_024685.4(BBS10):c.85G>A (p.Val29Met)

Gene: BBS10 (Bardet-Biedl syndrome 10; minus strand). Cytogenetic location: 12q21.2.
Variant type: single nucleotide variant.
Coding change: c.85G>A on transcript NM_024685.4 (MANE Select); coding-DNA position 85, G replaced by A.
Protein change: p.Val29Met; replaces valine 29 with methionine.
Molecular consequence: missense variant.
Genome position (GRCh38, 1-based): chr12:76,348,274, C>T on the plus strand (G>A on the coding strand, the complement: BBS10 is on the minus strand). VCF-style: chr12-76348274-C-T. GRCh37 (hg19) VCF-style: chr12-76742054-C-T.
Other names: short protein forms V29M.
Identifiers: ClinVar variation 2629146 (VCV002629146.2), dbSNP rs752267054, ClinGen allele CA385816275.
Genomic context (GRCh38, chr12:76,348,274, plus strand): 5'-GGCTGAGAAGCACCTCGCCAGTGGGCTTCGTACACAAAACTTGCCGTCCCTCGGGCCCCA[C>T]GCAGCAGCTCACGATGGCTTCCAGCACCTCGGCCACCTGCAACGCCGCCTTCACAGACCC-3'
Protein context (NP_078961.3, residues 19-39): EVLEAIVSCC[Val29Met]GPEGRQVLCT